The following is an entry in ClinVar:

ClinVar aggregate classification (germline): Uncertain significance. Review status: criteria provided, multiple submitters, no conflicts (2 of 4 stars). 2 submissions from 2 submitters: Uncertain significance (2). Last evaluated 2023-05-04.

Conditions:
Familial thoracic aortic aneurysm and aortic dissection (TAAD). Also called: Thoracic aortic aneurysms and dissections. Identifiers: Orphanet 91387, MedGen C4707243, MONDO:0019625.

Allele frequency attached by ClinVar (database versions not stated): gnomAD exomes below 0.00001.
gnomAD v4.1: 1 of 1,614,162 alleles (0.000062%); highest among the groups gnomAD compares: East Asian, 0.0022%; no homozygotes.

Submissions (2):

All of Us Research Program, National Institutes of Health
Classification: Uncertain significance for Familial thoracic aortic aneurysm and aortic dissection. Last evaluated: 2023-05-04. Review status: criteria provided, single submitter. Criteria: ACMG Guidelines, 2015. Collection method: clinical testing. Allele origin: germline. Inheritance: Autosomal dominant inheritance. Observed: 1 variant allele, 1 heterozygote.
Comment: This synonymous variant in the MYH11 gene is predicted to affect RNA splicing. To our knowledge, functional studies have not been reported for this variant. This variant has not been reported in individuals affected with MYH11-related disorders in the literature. This variant has been identified in 2/251034 chromosomes in the general population by the Genome Aggregation Database (gnomAD). The available evidence is insufficient to determine the role of this variant in disease conclusively. Therefore, this variant is classified as a Variant of Uncertain Significance.

This study involves interpretation of variants in research participants for the purpose of population health screening. Participant phenotype was not available at the time of variant classification. Additional details can be found in publication PMID: 35346344, PMCID: PMC8962531

Ambry Genetics
Classification: Uncertain significance for Familial thoracic aortic aneurysm and aortic dissection. Last evaluated: 2022-06-24. Review status: criteria provided, single submitter. Criteria: Ambry Variant Classification Scheme 2023. Collection method: clinical testing. Allele origin: germline.
Comment: The c.1575G>A variant (also known as p.P525P), located in coding exon 12 of the MYH11 gene, results from a G to A substitution at nucleotide position 1575. This nucleotide substitution does not change the proline at codon 525. However, this change occurs in the last base pair of coding exon 12, which makes it likely to have some effect on normal mRNA splicing. This nucleotide position is not well conserved in available vertebrate species. In silico splice site analysis predicts that this alteration may result in the creation or strengthening of a novel splice donor site. Since supporting evidence is limited at this time, the clinical significance of this alteration remains unclear.

NM_002474.3(MYH11):c.1575G>A (p.Pro525=)

Gene: MYH11 (myosin heavy chain 11; minus strand). Cytogenetic location: 16p13.11.
Variant type: single nucleotide variant.
Coding change: c.1575G>A on transcript NM_002474.3 (MANE Select); coding-DNA position 1575, G replaced by A.
Protein change: p.Pro525=; no amino-acid change (proline 525 retained).
Molecular consequence: synonymous variant.
Genome position (GRCh38, 1-based): chr16:15,757,827, C>T on the plus strand (G>A on the coding strand, the complement: MYH11 is on the minus strand). VCF-style: chr16-15757827-C-T. GRCh37 (hg19) VCF-style: chr16-15851684-C-T.
Other names: c.1596G>A, p.Pro532= (NM_001040113.2, NM_001040114.2); c.1575G>A, p.Pro525= (NM_022844.3).
Identifiers: ClinVar variation 1775574 (VCV001775574.3), dbSNP rs1176760123, ClinGen allele CA493793512.